The following is an entry in ClinVar:

ClinVar aggregate classification (germline): Pathogenic (1 of 4 stars; one submission).

Submission:

GeneDx
Classification: Pathogenic. Last evaluated: 2025-10-31. Review status: criteria provided, single submitter. Criteria: GeneDx Variant Classification Process June 2021. Collection method: clinical testing. Allele origin: germline.
Comment: Not observed at significant frequency in large population cohorts (gnomAD); Has not been previously published as pathogenic or benign to our knowledge; Frameshift variant predicted to result in protein truncation or nonsense mediated decay in a gene for which loss of function is a known mechanism of disease

NM_001079843.3(CASZ1):c.1139del (p.Gly380fs)

Gene: CASZ1 (castor zinc finger 1; minus strand). Cytogenetic location: 1p36.22.
Variant type: Deletion.
Coding change: c.1139del on transcript NM_001079843.3 (MANE Select); coding-DNA position 1139, one base deleted (G; older notation c.1139delG).
Protein change: p.Gly380fs; shifts the reading frame from glycine 380.
Molecular consequence: frameshift variant.
Genome position (GRCh38, 1-based): chr1:10,659,903, C deleted on the plus strand (G on the coding strand, the reverse complement: CASZ1 is on the minus strand); the first of 4 consecutive C bases (chr1:10,659,903-10,659,906); deleting any one gives the same sequence. VCF-style (leftmost placement, unchanged base first): chr1-10659902-GC-G. GRCh37 (hg19) VCF-style: chr1-10719959-GC-G.
Other names: c.1139del, p.Gly380fs (NM_017766.5); short protein forms G380fs.
Identifiers: ClinVar variation 3343176 (VCV003343176.2).